The following is an entry in ClinVar:

NM_000532.5(PCCB):c.756_758del (p.Met253del)

Gene: PCCB (propionyl-CoA carboxylase subunit beta; plus strand). Cytogenetic location: 3q22.3.
Variant type: Deletion.
Coding change: c.756_758del on transcript NM_000532.5 (MANE Select); coding-DNA positions 756 to 758, 3 bases deleted (CAT; older notation c.756_758delCAT).
Protein change: p.Met253del; deletes methionine 253.
Molecular consequence: inframe deletion.
Genome position (GRCh38, 1-based): chr3:136,293,857-136,293,859, CAT deleted. VCF-style (leftmost placement, unchanged base first): chr3-136293856-CCAT-C. GRCh37 (hg19) VCF-style: chr3-136012698-CCAT-C.
Other names: c.816_818del, p.Met273del (NM_001178014.2); short protein forms M253del, M273del.
Identifiers: ClinVar variation 2969394 (VCV002969394.3), dbSNP rs745811235, ClinGen allele CA2631849.

ClinVar aggregate classification (germline): Uncertain significance (1 of 4 stars; one submission).

Conditions:
Propionic acidemia (PROP). Also called: GLYCINEMIA, KETOTIC; HYPERGLYCINEMIA WITH KETOACIDOSIS AND LEUKOPENIA; KETOTIC HYPERGLYCINEMIA. Identifiers: Orphanet 35, MedGen C0268579, MONDO:0011628, OMIM 606054, HP:0003571.

Allele frequency attached by ClinVar (database versions not stated): ExAC 0.00001; TOPMed 0.00001.

Submission:

Labcorp Genetics (formerly Invitae), Labcorp
Classification: Uncertain significance for Propionic acidemia. Last evaluated: 2023-08-07. Review status: criteria provided, single submitter. Criteria: Invitae Variant Classification Sherloc (09022015). Collection method: clinical testing. Allele origin: germline.
Comment: This variant, c.756_758del, results in the deletion of 1 amino acid(s) of the PCCB protein (p.Met253del), but otherwise preserves the integrity of the reading frame. This variant is not present in population databases (gnomAD no frequency). This variant has not been reported in the literature in individuals affected with PCCB-related conditions. Experimental studies and prediction algorithms are not available or were not evaluated, and the functional significance of this variant is currently unknown. In summary, the available evidence is currently insufficient to determine the role of this variant in disease. Therefore, it has been classified as a Variant of Uncertain Significance.